The following is an entry in ClinVar:

NM_001354604.2(MITF):c.773_785dup (p.Asp263fs)

Gene: MITF (melanocyte inducing transcription factor; plus strand). Cytogenetic location: 3p13.
Variant type: Duplication.
Coding change: c.773_785dup on transcript NM_001354604.2 (MANE Select); coding-DNA positions 773 to 785, 13 bases duplicated (CGGGAAACTTGAT).
Protein change: p.Asp263fs; shifts the reading frame from aspartic acid 263.
Molecular consequence: frameshift variant.
Genome position (GRCh38, 1-based): chr3:69,949,061-69,949,073, CGGGAAACTTGAT duplicated; duplicating any 13 consecutive bases within chr3:69,949,060-69,949,073 gives the same sequence; the c. name uses the placement nearest the transcript's 3' end. VCF-style (leftmost placement, unchanged base first): chr3-69949059-C-CTCGGGAAACTTGA. GRCh37 (hg19) VCF-style: chr3-69998210-C-CTCGGGAAACTTGA.
Other names: c.452_464dup, p.Asp156fs (NM_000248.4, NM_198158.3); c.617_629dup, p.Asp211fs (NM_001184967.2, NM_001354608.2); c.770_782dup, p.Asp262fs (NM_001354605.2, NM_001354606.2, NM_006722.3); c.722_734dup, p.Asp246fs (NM_001354607.2); c.773_785dup, p.Asp263fs (NM_198159.3); c.725_737dup, p.Asp247fs (NM_198177.3); c.284_296dup, p.Asp100fs (NM_198178.3); short protein forms D211fs, D246fs, D247fs, D100fs, D156fs, D262fs, D263fs.
Identifiers: ClinVar variation 505620 (VCV000505620.4), dbSNP rs1553703619, ClinGen allele CA658796342.

ClinVar aggregate classification (germline): Pathogenic (1 of 4 stars; one submission).

Conditions:
Rare genetic deafness. Identifiers: Orphanet 96210, MedGen C5680250.

Submission:

Laboratory for Molecular Medicine, Mass General Brigham Personalized Medicine
Classification: Pathogenic for Rare genetic deafness. Last evaluated: 2017-02-10. Review status: criteria provided, single submitter. Criteria: LMM Criteria. Collection method: clinical testing. Allele origin: germline. Inheritance: Autosomal dominant inheritance. Observed: 1 variant allele.
Comment: The p.Asp263fs variant in MITF has not previously been reported in individuals w ith hearing loss or Waardenburg syndrome or in large population studies. This va riant is predicted to cause a frameshift, which alters the protein?s amino acid sequence beginning at position 263 and leads to a premature termination codon 5 amino acids downstream. This alteration is then predicted to lead to a truncated or absent protein. Heterozygous loss-of-function of the MITF gene is an establi shed disease mechanism for Waardenburg syndrome. In summary, this variant meets criteria to be classified as pathogenic for Waardenburg syndrome in an autosomal dominant manner based on the predicted impact on the protein and extremely low allele frequency in the general population.